The following is an entry in ClinVar:

NM_018896.5(CACNA1G):c.5473G>T (p.Val1825Phe)

Gene: CACNA1G (calcium voltage-gated channel subunit alpha1 G; plus strand). Cytogenetic location: 17q21.33.
Variant type: single nucleotide variant.
Coding change: c.5473G>T on transcript NM_018896.5 (MANE Select); coding-DNA position 5473, G replaced by T.
Protein change: p.Val1825Phe; replaces valine 1825 with phenylalanine.
Molecular consequence: missense variant. On other transcripts: non-coding transcript variant (5).
Genome position (GRCh38, 1-based): chr17:50,618,700, G>T. VCF-style: chr17-50618700-G-T. GRCh37 (hg19) VCF-style: chr17-48696061-G-T.
Other names: c.5371G>T, p.Val1791Phe (NM_198387.3, NM_198396.3, NM_001256329.2 and 2 more transcripts); c.5350G>T, p.Val1784Phe (NM_198388.3); c.5419G>T, p.Val1807Phe (NM_001256324.2, NM_198386.3); c.5494G>T, p.Val1832Phe (NM_001256325.2); c.5338G>T, p.Val1780Phe (NM_001256326.2, NM_001256330.2); c.5452G>T, p.Val1818Phe (NM_001256327.2); c.5398G>T, p.Val1800Phe (NM_001256328.2); c.5317G>T, p.Val1773Phe (NM_001256331.2); and 7 more; short protein forms V1768F, V1773F, V1780F, V1784F, V1787F, V1789F, V1791F, V1798F.
Identifiers: ClinVar variation 3382883 (VCV003382883.2).

ClinVar aggregate classification (germline): Uncertain significance (1 of 4 stars; one submission).

Conditions:
Spinocerebellar ataxia type 42. Identifiers: Orphanet 458803, MedGen C4225205, MONDO:0014776, OMIM 616795.
Spinocerebellar ataxia 42, early-onset, severe, with neurodevelopmental deficits. Identifiers: MedGen C4748120, MONDO:0060758, OMIM 618087.

Submission:

Juno Genomics, Hangzhou Juno Genomics, Inc
Classification: Uncertain significance for Spinocerebellar ataxia type 42; Spinocerebellar ataxia 42, early-onset, severe, with neurodevelopmental deficits. Review status: criteria provided, single submitter. Criteria: ACMG Guidelines, 2015. Collection method: clinical testing. Allele origin: germline. Affected: yes.
Comment: Absent from controls (or at extremely low frequency if recessive) in Genome Aggregation Database, Exome Sequencing Project, 1000 Genomes Project, or Exome Aggregation Consortium.;Missense variant in a gene that has a low rate of benign missense variation and where missense variants are a common mechanism of disease.;Patient's phenotype or family history is highly specific for a disease with a single genetic etiology.